The following is an entry in ClinVar:

ClinVar aggregate classification (germline): Likely benign. Review status: criteria provided, multiple submitters, no conflicts (2 of 4 stars). 3 submissions from 3 submitters: Likely benign (3). Last evaluated 2024-03-01.

Conditions:
Factor VII-activating protease marburg I. Identifiers: MedGen CN068943.

Allele frequency attached by ClinVar (database versions not stated): 1000 Genomes Project 0.00020; 1000 Genomes Project 30x 0.00031; gnomAD 0.00141 and 0.00170; TOPMed 0.00159; gnomAD exomes 0.00202 and 0.00237; ESP Exome Variant Server 0.00231; ExAC 0.00268.
gnomAD v4.1: 3,654 of 1,612,450 alleles (0.23%); highest among the groups gnomAD compares: Non-Finnish European, 0.29%; 7 homozygotes.

Submissions (3):

CeGaT Center for Human Genetics Tuebingen
Classification: Likely benign. Last evaluated: 2024-03-01. Review status: criteria provided, single submitter. Criteria: CeGaT Center For Human Genetics Tuebingen Variant Classification Criteria Version 2. Collection method: clinical testing. Allele origin: germline. Affected: yes. Observed: 1 variant allele.
Comment: HABP2: BP4

GeneDx
Classification: Likely benign. Last evaluated: 2021-03-31. Review status: criteria provided, single submitter. Criteria: GeneDx Variant Classification Process June 2021. Collection method: clinical testing. Allele origin: germline. Affected: yes.

Illumina Laboratory Services, Illumina
Classification: Likely benign for Factor VII Marburg I Variant Thrombophilia. Last evaluated: 2018-01-13. Review status: criteria provided, single submitter. Criteria: ICSL Variant Classification Criteria 13 December 2019. Collection method: clinical testing. Allele origin: germline.
Comment: This variant was observed in the ICSL laboratory as part of a predisposition screen in an ostensibly healthy population. It had not been previously curated by ICSL or reported in the Human Gene Mutation Database (HGMD: prior to June 1st, 2018), and was therefore a candidate for classification through an automated scoring system. Utilizing variant allele frequency, disease prevalence and penetrance estimates, and inheritance mode, an automated score was calculated to assess if this variant is too frequent to cause the disease. Based on the score and internal cut-off values, a variant classified as likely benign is not then subjected to further curation. The score for this variant resulted in a classification of likely benign for this disease.

NM_004132.5(HABP2):c.-3A>G

Gene: HABP2 (hyaluronan binding protein 2; plus strand). Cytogenetic location: 10q25.3.
Variant type: single nucleotide variant.
Coding change: c.-3A>G on transcript NM_004132.5 (MANE Select); 3 bases upstream of the start codon, A replaced by G.
Molecular consequence: 5 prime UTR variant. On other transcripts: intron variant (1).
Genome position (GRCh38, 1-based): chr10:113,553,119, A>G. VCF-style: chr10-113553119-A-G. GRCh37 (hg19) VCF-style: chr10-115312878-A-G.
Other names: c.-10+2158A>G (NM_001177660.3).
Identifiers: ClinVar variation 298894 (VCV000298894.27), dbSNP rs200192110, ClinGen allele CA5693410.
Genomic context (GRCh38, chr10:113,553,119, plus strand): 5'-TAAAGGCATAGACAACAAAAGAAATTTTATTGAGAGGAAAACACAAGTCCTTAAACTGCA[A>G]AGATGTTTGCCAGGATGTCTGATCTCCATGTTCTGCTGTTAATGGCTCTGGTGGGAAAGA-3'